The following is an entry in ClinVar:

ClinVar aggregate classification (germline): Uncertain significance. Review status: criteria provided, single submitter (1 of 4 stars). 2 submissions from 2 submitters: Uncertain significance (1). 1 of the submissions does not count toward it. Last evaluated 2022-01-13.

Conditions:
Autosomal recessive osteopetrosis 1. Also called: ALBERS-SCHONBERG DISEASE, AUTOSOMAL RECESSIVE; TCIRG1-Related Osteopetrosis; TCIRG1-Related Autosomal Recessive Osteopetrosis. Identifiers: Orphanet 667, MedGen C1850127, MONDO:0009815, OMIM 259700.

Allele frequency attached by ClinVar (database versions not stated): ExAC 0.00002; gnomAD 0.00002 and 0.00001; gnomAD exomes 0.00002 and 0.00001; TOPMed 0.00001.

Submissions (2):

Labcorp Genetics (formerly Invitae), Labcorp
Classification: Uncertain significance. Last evaluated: 2022-01-13. Review status: criteria provided, single submitter. Criteria: Invitae Variant Classification Sherloc (09022015). Collection method: clinical testing. Allele origin: germline.
Comment: This sequence change replaces alanine, which is neutral and non-polar, with threonine, which is neutral and polar, at codon 468 of the TCIRG1 protein (p.Ala468Thr). This variant is present in population databases (rs774244420, gnomAD 0.003%). This variant has not been reported in the literature in individuals affected with TCIRG1-related conditions. ClinVar contains an entry for this variant (Variation ID: 1035265). Algorithms developed to predict the effect of missense changes on protein structure and function are either unavailable or do not agree on the potential impact of this missense change (SIFT: "Tolerated"; PolyPhen-2: "Probably Damaging"; Align-GVGD: "Class C0"). In summary, the available evidence is currently insufficient to determine the role of this variant in disease. Therefore, it has been classified as a Variant of Uncertain Significance.

Natera, Inc.
Classification: Uncertain significance for Infantile malignant osteopetrosis. Last evaluated: 2020-09-03. Review status: no assertion criteria provided. Collection method: clinical testing. Allele origin: germline. Not counted in ClinVar's aggregate classification.

NM_006019.4(TCIRG1):c.1402G>A (p.Ala468Thr)

Gene: TCIRG1 (T cell immune regulator 1, ATPase H+ transporting V0 subunit a3; plus strand). Cytogenetic location: 11q13.2.
Variant type: single nucleotide variant.
Coding change: c.1402G>A on transcript NM_006019.4 (MANE Select); coding-DNA position 1402, G replaced by A.
Protein change: p.Ala468Thr; replaces alanine 468 with threonine.
Molecular consequence: missense variant.
Genome position (GRCh38, 1-based): chr11:68,047,743, G>A. VCF-style: chr11-68047743-G-A. GRCh37 (hg19) VCF-style: chr11-67815210-G-A.
Other names: c.508G>A, p.Ala170Thr (NM_001351059.2); c.754G>A, p.Ala252Thr (NM_006053.4); short protein forms A252T, A468T, A170T.
Identifiers: ClinVar variation 1035265 (VCV001035265.3), dbSNP rs774244420, ClinGen allele CA6147096.